The following is an entry in ClinVar:

ClinVar aggregate classification (germline): Pathogenic (1 of 4 stars; one submission).

Submission:

Labcorp Genetics (formerly Invitae), Labcorp
Classification: Pathogenic. Last evaluated: 2024-10-21. Review status: criteria provided, single submitter. Criteria: Invitae Variant Classification Sherloc (09022015). Collection method: clinical testing. Allele origin: germline.
Comment: This sequence change creates a premature translational stop signal (p.Lys426Glyfs*14) in the ALPK3 gene. It is expected to result in an absent or disrupted protein product. Loss-of-function variants in ALPK3 are known to be pathogenic (PMID: 21441111, 26846950, 27106955, 34263907). This variant is not present in population databases (gnomAD no frequency). This variant has not been reported in the literature in individuals affected with ALPK3-related conditions. For these reasons, this variant has been classified as Pathogenic.

Literature cited by the submitters: PubMed 21441111; PubMed 26846950; PubMed 27106955; PubMed 34263907.

NM_020778.5(ALPK3):c.669_685del (p.Lys224fs)

Gene: ALPK3 (alpha kinase 3; plus strand). Cytogenetic location: 15q25.3.
Variant type: Deletion.
Coding change: c.669_685del on transcript NM_020778.5 (MANE Select); coding-DNA positions 669 to 685, 17 bases deleted (AAAGCGGCGATTGAGCG).
Protein change: p.Lys224fs; shifts the reading frame from lysine 224.
Molecular consequence: frameshift variant.
Genome position (GRCh38, 1-based): chr15:84,839,948-84,839,964, AAAGCGGCGATTGAGCG deleted; deleting any 17 consecutive bases within chr15:84,839,944-84,839,964 gives the same sequence; the c. name uses the placement nearest the transcript's 3' end. VCF-style (leftmost placement, unchanged base first): chr15-84839943-CAGCGAAAGCGGCGATTG-C. GRCh37 (hg19) VCF-style: chr15-85383174-CAGCGAAAGCGGCGATTG-C.
Other names: short protein forms K224fs.
Identifiers: ClinVar variation 3619273 (VCV003619273.2).